The following is an entry in ClinVar:

ClinVar aggregate classification (germline): Uncertain significance (1 of 4 stars; one submission).

Submission:

Ambry Genetics
Classification: Uncertain significance. Last evaluated: 2025-05-18. Review status: criteria provided, single submitter. Criteria: Ambry Variant Classification Scheme 2023. Collection method: clinical testing. Allele origin: germline.
Comment: The p.E964G variant (also known as c.2891A>G), located in coding exon 18 of the MYOM1 gene, results from an A to G substitution at nucleotide position 2891. The glutamic acid at codon 964 is replaced by glycine, an amino acid with similar properties. This amino acid position is conserved. In addition, this alteration is predicted to be tolerated by in silico analysis. Based on the available evidence, the clinical significance of this variant remains unclear.

NM_003803.4(MYOM1):c.2891A>G (p.Glu964Gly)

Gene: MYOM1 (myomesin 1; minus strand). Cytogenetic location: 18p11.31.
Variant type: single nucleotide variant.
Coding change: c.2891A>G on transcript NM_003803.4 (MANE Select); coding-DNA position 2891, A replaced by G.
Protein change: p.Glu964Gly; replaces glutamic acid 964 with glycine.
Molecular consequence: missense variant.
Genome position (GRCh38, 1-based): chr18:3,126,801, T>C on the plus strand (A>G on the coding strand, the complement: MYOM1 is on the minus strand). VCF-style: chr18-3126801-T-C. GRCh37 (hg19) VCF-style: chr18-3126799-T-C.
Other names: c.2603A>G, p.Glu868Gly (NM_019856.2); short protein forms E868G, E964G.
Identifiers: ClinVar variation 3916558 (VCV003916558.1).